The following is an entry in ClinVar:

ClinVar aggregate classification (germline): Likely benign. Review status: criteria provided, multiple submitters, no conflicts (2 of 4 stars). 4 submissions from 4 submitters: Likely benign (3). 1 of the submissions does not count toward it. Last evaluated 2025-12-15.

Conditions:
POLE-related disorder. Also called: POLE-related condition; POLE-related disorders.
Hereditary cancer-predisposing syndrome. Also called: Hereditary Cancer Syndrome; Hereditary neoplastic syndrome; Neoplastic Syndromes, Hereditary; Tumor predisposition. Identifiers: Orphanet 140162, MedGen C0027672, MeSH D009386, MONDO:0015356.

Allele frequency attached by ClinVar (database versions not stated): gnomAD 0.00001; gnomAD exomes 0.00001 and 0.00004; TOPMed 0.00002; ExAC 0.00004; 1000 Genomes Project 30x 0.00016; 1000 Genomes Project 0.00020.
gnomAD v4.1: 26 of 1,613,918 alleles (0.0016%); highest among the groups gnomAD compares: Admixed American, 0.0067%; no homozygotes.

Submissions (4):

Labcorp Genetics (formerly Invitae), Labcorp
Classification: Likely benign. Last evaluated: 2025-12-15. Review status: criteria provided, single submitter. Criteria: Invitae Variant Classification Sherloc (09022015). Collection method: clinical testing. Allele origin: germline.

Ambry Genetics
Classification: Likely benign for Hereditary cancer-predisposing syndrome. Last evaluated: 2019-04-23. Review status: criteria provided, single submitter. Criteria: Ambry Variant Classification Scheme 2023. Collection method: clinical testing. Allele origin: germline.

GeneDx
Classification: Likely benign. Last evaluated: 2019-01-17. Review status: criteria provided, single submitter. Criteria: GeneDx Variant Classification Process June 2021. Collection method: clinical testing. Allele origin: germline. Affected: yes.

PreventionGenetics, part of Exact Sciences
Classification: Likely benign for POLE-related condition. Last evaluated: 2022-05-04. Review status: no assertion criteria provided. Collection method: clinical testing. Allele origin: germline. Not counted in ClinVar's aggregate classification.
Comment: This variant is classified as likely benign based on ACMG/AMP sequence variant interpretation guidelines (Richards et al. 2015 PMID: 25741868, with internal and published modifications).

NM_006231.4(POLE):c.2958A>G (p.Gln986=)

Gene: POLE (DNA polymerase epsilon, catalytic subunit; minus strand). Cytogenetic location: 12q24.33.
Variant type: single nucleotide variant.
Coding change: c.2958A>G on transcript NM_006231.4 (MANE Select); coding-DNA position 2958, A replaced by G.
Protein change: p.Gln986=; no amino-acid change (glutamine 986 retained).
Molecular consequence: synonymous variant.
Genome position (GRCh38, 1-based): chr12:132,661,071, T>C on the plus strand (A>G on the coding strand, the complement: POLE is on the minus strand). VCF-style: chr12-132661071-T-C. GRCh37 (hg19) VCF-style: chr12-133237657-T-C.
Identifiers: ClinVar variation 388361 (VCV000388361.19), dbSNP rs538349768, ClinGen allele CA6893397.
Genomic context (GRCh38, chr12:132,661,071, plus strand): 5'-TACAGAGCCATACACCTCTTCCAGCGTGCTGCCCTTGAGGAAGGCCTCAAACACCGAGGA[T>C]TGGAAGATCTTAATCAGCTGCAGTTCCCCGCGGCGTTTGACCTCAAAGCCCTTGAGCTCA-3'
Protein context (NP_006222.2, residues 976-996): RGELQLIKIF[Gln986=]SSVFEAFLKG